The following is an entry in ClinVar:

NM_032228.6(FAR1):c.1513T>C (p.Ser505Pro)

Gene: FAR1 (fatty acyl-CoA reductase 1; plus strand). Cytogenetic location: 11p15.3.
Variant type: single nucleotide variant.
Coding change: c.1513T>C on transcript NM_032228.6 (MANE Select); coding-DNA position 1513, T replaced by C.
Protein change: p.Ser505Pro; replaces serine 505 with proline.
Molecular consequence: missense variant.
Genome position (GRCh38, 1-based): chr11:13,728,739, T>C. VCF-style: chr11-13728739-T-C. GRCh37 (hg19) VCF-style: chr11-13750286-T-C.
Other names: c.1522T>C, p.Ser508Pro (NM_001441242.1); c.1498T>C, p.Ser500Pro (NM_001441243.1); c.1468T>C, p.Ser490Pro (NM_001441244.1); c.1399T>C, p.Ser467Pro (NM_001441245.1); c.1333T>C, p.Ser445Pro (NM_001441246.1); c.1273T>C, p.Ser425Pro (NM_001441247.1); c.1216T>C, p.Ser406Pro (NM_001441248.1); c.1171T>C, p.Ser391Pro (NM_001441249.1); and 1 more; short protein forms S311P, S391P, S406P, S425P, S445P, S467P, S490P, S500P.
Identifiers: ClinVar variation 4292257 (VCV004292257.1).

ClinVar aggregate classification (germline): Uncertain significance (1 of 4 stars; one submission).

Conditions:
Spastic paraparesis-cataracts-speech delay syndrome (CSPSD). Also called: CATARACTS, SPASTIC PARAPARESIS, AND SPEECH DELAY. Identifiers: Orphanet 615938, MedGen C5543440, MONDO:0036212, OMIM 619338.

Submission:

3billion
Classification: Uncertain significance for Spastic paraparesis-cataracts-speech delay syndrome. Last evaluated: 2024-08-27. Review status: criteria provided, single submitter. Criteria: ACMG Guidelines, 2015. Collection method: clinical testing. Allele origin: germline. Affected: yes.
Comment: The variant is not observed in the gnomAD v4.0.0 dataset. Predicted Consequence/Location: Missense changes are a common disease-causing mechanism. Therefore, this variant is classified as VUS according to the recommendation of ACMG/AMP guideline.